The following is an entry in ClinVar:

ClinVar aggregate classification (germline): Pathogenic/Likely pathogenic. Review status: criteria provided, multiple submitters, no conflicts (2 of 4 stars). 2 submissions from 2 submitters: Pathogenic (1); Likely pathogenic (1). Last evaluated 2022-07-06.

Conditions:
Usher syndrome type 2A. Also called: RETINAL DISEASE IN USHER SYNDROME TYPE IIA, MODIFIER OF; USHER SYNDROME, TYPE IIA. Identifiers: Orphanet 231178, Orphanet 886, MedGen C1848634, MONDO:0010169, OMIM 276901.
Usher syndrome type 2C. Also called: Usher syndrome, type 2B; USHER SYNDROME, TYPE IIC. Identifiers: Orphanet 231178, Orphanet 886, MedGen C2931213, MONDO:0011558, OMIM 605472.
Hearing loss, autosomal recessive 57. Also called: DEAFNESS, AUTOSOMAL RECESSIVE 57. Identifiers: MedGen C4693893, MONDO:0033201, OMIM 618003.

Submissions (2):

Labcorp Genetics (formerly Invitae), Labcorp
Classification: Pathogenic. Last evaluated: 2022-07-06. Review status: criteria provided, single submitter. Criteria: Invitae Variant Classification Sherloc (09022015). Collection method: clinical testing. Allele origin: germline.
Comment: This variant has not been reported in the literature in individuals affected with PDZD7-related conditions. For these reasons, this variant has been classified as Pathogenic. ClinVar contains an entry for this variant (Variation ID: 1367613). This variant is present in population databases (no rsID available, gnomAD 0.003%). This sequence change creates a premature translational stop signal (p.Val741Trpfs*12) in the PDZD7 gene. It is expected to result in an absent or disrupted protein product. Loss-of-function variants in PDZD7 are known to be pathogenic (PMID: 20440071).

Juno Genomics, Hangzhou Juno Genomics, Inc
Classification: Likely pathogenic for Usher syndrome type 2A; Hearing loss, autosomal recessive 57; Usher syndrome type 2C. Review status: criteria provided, single submitter. Criteria: ACMG Guidelines, 2015. Collection method: clinical testing. Allele origin: germline.
Comment: Null variant in a gene where loss of function (LOF) is a known mechanism of disease.;Absent from controls (or at extremely low frequency if recessive) in Genome Aggregation Database.

Literature cited by the submitters: PubMed 20440071 (cited by Labcorp Genetics (formerly Invitae), Labcorp).

NM_001195263.2(PDZD7):c.2220del (p.Val741fs)

Gene: PDZD7 (PDZ domain containing 7; minus strand). Cytogenetic location: 10q24.31.
Variant type: Deletion.
Coding change: c.2220del on transcript NM_001195263.2 (MANE Select); coding-DNA position 2220, one base deleted (C; older notation c.2220delC).
Protein change: p.Val741fs; shifts the reading frame from valine 741.
Molecular consequence: frameshift variant.
Genome position (GRCh38, 1-based): chr10:101,010,669, G deleted on the plus strand (C on the coding strand, the reverse complement: PDZD7 is on the minus strand); the first of 6 consecutive G bases (chr10:101,010,669-101,010,674); deleting any one gives the same sequence. VCF-style (leftmost placement, unchanged base first): chr10-101010668-CG-C. GRCh37 (hg19) VCF-style: chr10-102770425-CG-C.
Other names: short protein forms V741fs.
Identifiers: ClinVar variation 1367613 (VCV001367613.8), dbSNP rs1211492964, ClinGen allele CA595644109.